The following is an entry in ClinVar:

NM_020975.6(RET):c.2439G>T (p.Arg813=)

Gene: RET (ret proto-oncogene; plus strand). Cytogenetic location: 10q11.21.
Variant type: single nucleotide variant.
Coding change: c.2439G>T on transcript NM_020975.6 (MANE Select); coding-DNA position 2439, G replaced by T.
Protein change: p.Arg813=; no amino-acid change (arginine 813 retained).
Molecular consequence: synonymous variant.
Genome position (GRCh38, 1-based): chr10:43,119,577, G>T. VCF-style: chr10-43119577-G-T. GRCh37 (hg19) VCF-style: chr10-43615025-G-T.
Other names: c.1677G>T, p.Arg559= (NM_001355216.2); c.2439G>T, p.Arg813= (NM_001406743.1, NM_001406744.1, NM_001406759.1 and 2 more transcripts); c.2310G>T, p.Arg770= (NM_001406761.1, NM_001406762.1, NM_001406764.1); c.2304G>T, p.Arg768= (NM_001406763.1, NM_001406765.1); c.2151G>T, p.Arg717= (NM_001406766.1, NM_001406767.1, NM_001406770.1); c.2175G>T, p.Arg725= (NM_001406768.1); c.2043G>T, p.Arg681= (NM_001406769.1, NM_001406772.1); c.2001G>T, p.Arg667= (NM_001406771.1, NM_001406773.1); and 10 more.
Identifiers: ClinVar variation 3904613 (VCV003904613.1).

ClinVar aggregate classification (germline): Benign (1 of 4 stars; one submission).

Conditions:
Multiple endocrine neoplasia type 2A. Also called: Multiple Endocrine Neoplasia Type 2A (MEN2A); MULTIPLE ENDOCRINE NEOPLASIA, TYPE IIA; PTC SYNDROME; SIPPLE SYNDROME; MEN 2A; MEN-2A syndrome. Identifiers: Orphanet 247698, Orphanet 653, MedGen C0025268, MeSH D018813, MONDO:0008234, OMIM 171400.

Submission:

Myriad Genetics, Inc.
Classification: Benign for Multiple endocrine neoplasia type 2A. Last evaluated: 2025-02-27. Review status: criteria provided, single submitter. Criteria: Myriad Autosomal Dominant, Autosomal Recessive and X-Linked Classification Criteria (2023). Collection method: clinical testing. Allele origin: unknown.
Comment: This variant is considered benign. This variant is a silent/synonymous amino acid change and it is not expected to impact splicing.